The following is an entry in ClinVar:

NM_203446.3(SYNJ1):c.3409C>T (p.Pro1137Ser)

Gene: SYNJ1 (synaptojanin 1; minus strand). Cytogenetic location: 21q22.11.
Variant type: single nucleotide variant.
Coding change: c.3409C>T on transcript NM_203446.3 (MANE Select); coding-DNA position 3409, C replaced by T.
Protein change: p.Pro1137Ser; replaces proline 1137 with serine.
Molecular consequence: missense variant. On other transcripts: intron variant (1).
Genome position (GRCh38, 1-based): chr21:32,644,989, G>A on the plus strand (C>T on the coding strand, the complement: SYNJ1 is on the minus strand). VCF-style: chr21-32644989-G-A. GRCh37 (hg19) VCF-style: chr21-34017299-G-A.
Other names: c.3409C>T, p.Pro1137Ser (NM_001160302.2); c.3526C>T, p.Pro1176Ser (NM_003895.4); c.3376+657C>T (NM_001160306.2); short protein forms P1137S, P1176S.
Identifiers: ClinVar variation 1016679 (VCV001016679.9), dbSNP rs1461988082, ClinGen allele CA410068033.

ClinVar aggregate classification (germline): Uncertain significance (1 of 4 stars; one submission).

Conditions:
Early-onset Parkinson disease 20. Also called: PARKINSON DISEASE 20, AUTOSOMAL RECESSIVE EARLY-ONSET. Identifiers: Orphanet 391411, MedGen C3809824, MONDO:0014233, OMIM 615530.
Developmental and epileptic encephalopathy, 53. Also called: Epileptic encephalopathy, early infantile, 53. Identifiers: MedGen C4479313, MONDO:0033362, OMIM 617389.

Allele frequency attached by ClinVar (database versions not stated): gnomAD exomes below 0.00001.
gnomAD v4.1: 2 of 1,607,588 alleles (0.00012%); highest among the groups gnomAD compares: African/African-American, 0.0013%; no homozygotes.

Submission:

Labcorp Genetics (formerly Invitae), Labcorp
Classification: Uncertain significance for Developmental and epileptic encephalopathy, 53; Early-onset Parkinson disease 20. Last evaluated: 2020-09-10. Review status: criteria provided, single submitter. Criteria: Invitae Variant Classification Sherloc (09022015). Collection method: clinical testing. Allele origin: germline.
Comment: This variant has not been reported in the literature in individuals with SYNJ1-related conditions. In summary, the available evidence is currently insufficient to determine the role of this variant in disease. Therefore, it has been classified as a Variant of Uncertain Significance. Algorithms developed to predict the effect of missense changes on protein structure and function are either unavailable or do not agree on the potential impact of this missense change (SIFT: "Deleterious"; PolyPhen-2: "Benign"; Align-GVGD: "Class C0"). This variant is not present in population databases (ExAC no frequency). This sequence change replaces proline with serine at codon 1176 of the SYNJ1 protein (p.Pro1176Ser). The proline residue is moderately conserved and there is a moderate physicochemical difference between proline and serine.